The following is an entry in ClinVar:

ClinVar aggregate classification (germline): Likely benign (1 of 4 stars; one submission).

Conditions:
Oroticaciduria. Also called: Orotic aciduria. Identifiers: Orphanet 30, MedGen C0268128, HP:0003218.

Allele frequency attached by ClinVar (database versions not stated): 1000 Genomes Project 0.00379; 1000 Genomes Project 30x 0.00390; ExAC 0.00010; gnomAD 0.00361 and 0.00337; gnomAD exomes 0.00043 and 0.00063; TOPMed 0.00404.
gnomAD v4.1: 639 of 453,872 alleles (0.14%); highest among the groups gnomAD compares: African/African-American, 1.1%; 6 homozygotes.

Submission:

Illumina Laboratory Services, Illumina
Classification: Likely benign for Hereditary orotic aciduria. Last evaluated: 2018-01-13. Review status: criteria provided, single submitter. Criteria: ICSL Variant Classification Criteria 13 December 2019. Collection method: clinical testing. Allele origin: germline.
Comment: This variant was observed in the ICSL laboratory as part of a predisposition screen in an ostensibly healthy population. It had not been previously curated by ICSL or reported in the Human Gene Mutation Database (HGMD: prior to June 1st, 2018), and was therefore a candidate for classification through an automated scoring system. Utilizing variant allele frequency, disease prevalence and penetrance estimates, and inheritance mode, an automated score was calculated to assess if this variant is too frequent to cause the disease. Based on the score and internal cut-off values, a variant classified as likely benign is not then subjected to further curation. The score for this variant resulted in a classification of likely benign for this disease.

NM_000373.4(UMPS):c.*4876C>G

Gene: UMPS (uridine monophosphate synthetase; plus strand). Cytogenetic location: 3q21.2.
Variant type: single nucleotide variant.
Coding change: c.*4876C>G on transcript NM_000373.4 (MANE Select); 4876 bases downstream of the stop codon, C replaced by G.
Molecular consequence: 3 prime UTR variant. On other transcripts: non-coding transcript variant (2).
Genome position (GRCh38, 1-based): chr3:124,748,960, C>G. VCF-style: chr3-124748960-C-G. GRCh37 (hg19) VCF-style: chr3-124467807-C-G.
Identifiers: ClinVar variation 343039 (VCV000343039.5), dbSNP rs192036374, ClinGen allele CA2582195.